The following is an entry in ClinVar:

ClinVar aggregate classification (germline): Likely benign. Review status: criteria provided, single submitter (1 of 4 stars). 2 submissions from 2 submitters: Likely benign (1). 1 of the submissions does not count toward it. Last evaluated 2024-11-19.

Conditions:
EPAS1-related disorder. Also called: EPAS1-related condition.

Submissions (2):

Blueprint Genetics
Classification: Likely benign. Last evaluated: 2024-11-19. Review status: criteria provided, single submitter. Criteria: ACMG Guidelines, 2015. Collection method: clinical testing. Allele origin: germline.

PreventionGenetics, part of Exact Sciences
Classification: Likely benign for EPAS1-related condition. Last evaluated: 2020-09-29. Review status: no assertion criteria provided. Collection method: clinical testing. Allele origin: germline. Not counted in ClinVar's aggregate classification.
Comment: This variant is classified as likely benign based on ACMG/AMP sequence variant interpretation guidelines (Richards et al. 2015 PMID: 25741868, with internal and published modifications).

NM_001430.5(EPAS1):c.218-9_218-8dup

Gene: EPAS1 (endothelial PAS domain protein 1; plus strand). Cytogenetic location: 2p21.
Variant type: Duplication.
Coding change: c.218-9_218-8dup on transcript NM_001430.5 (MANE Select); 9 bases into the intron before coding-DNA position 218 through 8 bases into the intron before coding-DNA position 218, 2 bases duplicated (CC; older notation c.218-9_218-8dupCC).
Molecular consequence: intron variant.
Genome position (GRCh38, 1-based): chr2:46,356,142-46,356,143, CC duplicated; duplicating any 2 consecutive bases within chr2:46,356,134-46,356,143 gives the same sequence; the c. name uses the placement nearest the transcript's 3' end. VCF-style (leftmost placement, unchanged base first): chr2-46356133-A-ACC. GRCh37 (hg19) VCF-style: chr2-46583272-A-ACC.
Identifiers: ClinVar variation 3056233 (VCV003056233.3), dbSNP rs66811540, ClinGen allele CA1644521.